The following is an entry in ClinVar:

ClinVar aggregate classification (germline): Likely benign (1 of 4 stars; one submission).

Submission:

CeGaT Center for Human Genetics Tuebingen
Classification: Likely benign. Last evaluated: 2026-03-01. Review status: criteria provided, single submitter. Criteria: CeGaT Center For Human Genetics Tuebingen Variant Classification Criteria Version 2. Collection method: clinical testing. Allele origin: germline. Affected: yes. Observed: 1 variant allele.
Comment: USF3: PM2:Supporting, BP4, BP7

NM_001009899.4(USF3):c.4908A>G (p.Leu1636=)

Gene: USF3 (upstream transcription factor family member 3; minus strand). Cytogenetic location: 3q13.2.
Variant type: single nucleotide variant.
Coding change: c.4908A>G on transcript NM_001009899.4 (MANE Select); coding-DNA position 4908, A replaced by G.
Protein change: p.Leu1636=; no amino-acid change (leucine 1636 retained).
Molecular consequence: synonymous variant.
Genome position (GRCh38, 1-based): chr3:113,656,774, T>C on the plus strand (A>G on the coding strand, the complement: USF3 is on the minus strand). VCF-style: chr3-113656774-T-C. GRCh37 (hg19) VCF-style: chr3-113375621-T-C.
Identifiers: ClinVar variation 4822934 (VCV004822934.4).